The following is an entry in ClinVar:

NM_000360.4(TH):c.1125del (p.Glu375fs)

Gene: TH (tyrosine hydroxylase; minus strand). Cytogenetic location: 11p15.5.
Variant type: Deletion.
Coding change: c.1125del on transcript NM_000360.4 (MANE Select); coding-DNA position 1125, one base deleted (G; older notation c.1125delG).
Protein change: p.Glu375fs; shifts the reading frame from glutamic acid 375.
Molecular consequence: frameshift variant.
Genome position (GRCh38, 1-based): chr11:2,165,743, C deleted on the plus strand (G on the coding strand, the reverse complement: TH is on the minus strand). VCF-style (leftmost placement, unchanged base first): chr11-2165742-AC-A. GRCh37 (hg19) VCF-style: chr11-2186972-AC-A.
Other names: c.1218del (NM_199292.2); c.1218del, p.Glu406fs (NM_199292.3); c.1206del, p.Glu402fs (NM_199293.3); short protein forms E375fs, E402fs, E406fs.
Identifiers: ClinVar variation 1455671 (VCV001455671.7), dbSNP rs2133690407, ClinGen allele CA2573146032.

ClinVar aggregate classification (germline): Pathogenic/Likely pathogenic. Review status: criteria provided, multiple submitters, no conflicts (2 of 4 stars). 2 submissions from 2 submitters: Pathogenic (1); Likely pathogenic (1). Last evaluated 2023-10-11.

Conditions:
TH-deficient dopa-responsive dystonia. Also called: Tyrosine Hydroxylase-Deficient Dopa-Responsive Dystonia; Segawa syndrome, autosomal recessive; DYT-TH. Identifiers: Orphanet 101150, MedGen C2673535, MONDO:0011551, OMIM 605407.

Submissions (2):

Baylor Genetics
Classification: Likely pathogenic for TH-deficient dopa-responsive dystonia. Last evaluated: 2023-10-11. Review status: criteria provided, single submitter. Criteria: ACMG Guidelines, 2015. Collection method: clinical testing. Allele origin: unknown.

Labcorp Genetics (formerly Invitae), Labcorp
Classification: Pathogenic for TH-deficient dopa-responsive dystonia. Last evaluated: 2021-08-11. Review status: criteria provided, single submitter. Criteria: Invitae Variant Classification Sherloc (09022015). Collection method: clinical testing. Allele origin: germline.
Comment: For these reasons, this variant has been classified as Pathogenic. This variant has not been reported in the literature in individuals affected with TH-related conditions. This variant is not present in population databases (ExAC no frequency). This sequence change creates a premature translational stop signal (p.Glu406Aspfs*11) in the TH gene. It is expected to result in an absent or disrupted protein product. Loss-of-function variants in TH are known to be pathogenic (PMID: 22264700, 24753243).

Literature cited by the submitters: PubMed 22264700 (cited by Labcorp Genetics (formerly Invitae), Labcorp); PubMed 24753243 (cited by Labcorp Genetics (formerly Invitae), Labcorp).